The following is an entry in ClinVar:

NM_001457.4(FLNB):c.6721G>T (p.Asp2241Tyr)

Gene: FLNB (filamin B; plus strand). Cytogenetic location: 3p14.3.
Variant type: single nucleotide variant.
Coding change: c.6721G>T on transcript NM_001457.4 (MANE Select); coding-DNA position 6721, G replaced by T.
Protein change: p.Asp2241Tyr; replaces aspartic acid 2241 with tyrosine.
Molecular consequence: missense variant.
Genome position (GRCh38, 1-based): chr3:58,154,877, G>T. VCF-style: chr3-58154877-G-T. GRCh37 (hg19) VCF-style: chr3-58140604-G-T.
Other names: c.6814G>T, p.Asp2272Tyr (NM_001164317.2); c.6688G>T, p.Asp2230Tyr (NM_001164318.2); c.6649G>T, p.Asp2217Tyr (NM_001164319.2); short protein forms D2241Y, D2217Y, D2272Y, D2230Y.
Identifiers: ClinVar variation 2899414 (VCV002899414.3), dbSNP rs759839575, ClinGen allele CA353360581.
Genomic context (GRCh38, chr3:58,154,877, plus strand): 5'-GCAGGCGCTGGAGGCCTCTCCATCGCTGTTGAGGGCCCCAGTAAGGCCGAGATTACATTC[G>T]ATGACCATAAAAATGGGTCGTGCGGTGTATCTTATATTGCCCAAGAGCCTGGTATGTATT-3'
Protein context (NP_001448.2, residues 2231-2251): EGPSKAEITF[Asp2241Tyr]DHKNGSCGVS

ClinVar aggregate classification (germline): Uncertain significance (1 of 4 stars; one submission).

gnomAD v4.1: 5 of 1,613,996 alleles (0.00031%); highest among the groups gnomAD compares: Non-Finnish European, 0.00034%; no homozygotes.

Submission:

Labcorp Genetics (formerly Invitae), Labcorp
Classification: Uncertain significance. Last evaluated: 2023-05-23. Review status: criteria provided, single submitter. Criteria: Invitae Variant Classification Sherloc (09022015). Collection method: clinical testing. Allele origin: germline.
Comment: This sequence change replaces aspartic acid, which is acidic and polar, with tyrosine, which is neutral and polar, at codon 2241 of the FLNB protein (p.Asp2241Tyr). This variant is not present in population databases (gnomAD no frequency). This variant has not been reported in the literature in individuals affected with FLNB-related conditions. Advanced modeling of protein sequence and biophysical properties (such as structural, functional, and spatial information, amino acid conservation, physicochemical variation, residue mobility, and thermodynamic stability) performed at Invitae indicates that this missense variant is not expected to disrupt FLNB protein function. In summary, the available evidence is currently insufficient to determine the role of this variant in disease. Therefore, it has been classified as a Variant of Uncertain Significance.